The following is an entry in ClinVar:

ClinVar aggregate classification (germline): Conflicting classifications of pathogenicity. Review status: criteria provided, conflicting classifications (1 of 4 stars). 2 submissions from 2 submitters: Uncertain significance (1); Likely benign (1). Last evaluated 2024-11-23.

Conditions:
Inborn genetic diseases. Identifiers: MedGen C0950123, MeSH D030342.
Epilepsy, X-linked 1, with variable learning disabilities and behavior disorders. Also called: X-linked epilepsy-learning disabilities-behavior disorders syndrome. Identifiers: Orphanet 85294, MedGen C5774177, MONDO:0010339, OMIM 300491.

Allele frequency attached by ClinVar (database versions not stated): ExAC 0.00002; gnomAD exomes 0.00003 and 0.00006; TOPMed 0.00003; gnomAD 0.00005; ESP Exome Variant Server 0.00009.
gnomAD v4.1: 71 of 1,210,199 alleles (0.0059%); highest among the groups gnomAD compares: Non-Finnish European, 0.0077%; no homozygotes.

Submissions (2):

Ambry Genetics
Classification: Likely benign for Inborn genetic diseases. Last evaluated: 2024-11-23. Review status: criteria provided, single submitter. Criteria: Ambry Variant Classification Scheme 2023. Collection method: clinical testing. Allele origin: germline.

Labcorp Genetics (formerly Invitae), Labcorp
Classification: Uncertain significance for Epilepsy, X-linked 1, with variable learning disabilities and behavior disorders. Last evaluated: 2024-10-27. Review status: criteria provided, single submitter. Criteria: Invitae Variant Classification Sherloc (09022015). Collection method: clinical testing. Allele origin: germline.
Comment: This sequence change replaces arginine, which is basic and polar, with histidine, which is basic and polar, at codon 315 of the SYN1 protein (p.Arg315His). This variant is present in population databases (rs370854090, gnomAD 0.009%). This variant has not been reported in the literature in individuals affected with SYN1-related conditions. ClinVar contains an entry for this variant (Variation ID: 665126). An algorithm developed to predict the effect of missense changes on protein structure and function (PolyPhen-2) suggests that this variant is likely to be disruptive. In summary, the available evidence is currently insufficient to determine the role of this variant in disease. Therefore, it has been classified as a Variant of Uncertain Significance.

NM_006950.3(SYN1):c.944G>A (p.Arg315His)

Gene: SYN1 (synapsin I; minus strand). Cytogenetic location: Xp11.3.
Variant type: single nucleotide variant.
Coding change: c.944G>A on transcript NM_006950.3 (MANE Select); coding-DNA position 944, G replaced by A.
Protein change: p.Arg315His; replaces arginine 315 with histidine.
Molecular consequence: missense variant.
Genome position (GRCh38, 1-based): chrX:47,576,534, C>T on the plus strand (G>A on the coding strand, the complement: SYN1 is on the minus strand). VCF-style: chrX-47576534-C-T. GRCh37 (hg19) VCF-style: chrX-47435933-C-T.
Other names: c.944G>A, p.Arg315His (NM_133499.2); short protein forms R315H.
Identifiers: ClinVar variation 665126 (VCV000665126.12), dbSNP rs370854090, ClinGen allele CA10398448.